The following is an entry in ClinVar:

NM_001005273.3(CHD3):c.3652G>T (p.Gly1218Cys)

Gene: CHD3 (chromodomain helicase DNA binding protein 3; plus strand). Cytogenetic location: 17p13.1.
Variant type: single nucleotide variant.
Coding change: c.3652G>T on transcript NM_001005273.3 (MANE Select); coding-DNA position 3652, G replaced by T.
Protein change: p.Gly1218Cys; replaces glycine 1218 with cysteine.
Molecular consequence: missense variant.
Genome position (GRCh38, 1-based): chr17:7,903,428, G>T. VCF-style: chr17-7903428-G-T. GRCh37 (hg19) VCF-style: chr17-7806746-G-T.
Other names: c.3829G>T, p.Gly1277Cys (NM_001005271.3); c.3652G>T, p.Gly1218Cys (NM_005852.4); short protein forms G1218C, G1277C.
Identifiers: ClinVar variation 3363488 (VCV003363488.1).

ClinVar aggregate classification (germline): Uncertain significance (1 of 4 stars; one submission).

Submission:

GeneDx
Classification: Uncertain significance. Last evaluated: 2023-11-06. Review status: criteria provided, single submitter. Criteria: GeneDx Variant Classification Process June 2021. Collection method: clinical testing. Allele origin: germline. Affected: yes.
Comment: Not observed at significant frequency in large population cohorts (gnomAD); In silico analysis supports that this missense variant has a deleterious effect on protein structure/function; Has not been previously published as pathogenic or benign to our knowledge